The following is an entry in ClinVar:

NM_001111.5(ADAR):c.2763-10C>G

Gene: ADAR (adenosine deaminase RNA specific; minus strand). Cytogenetic location: 1q21.3.
Variant type: single nucleotide variant.
Coding change: c.2763-10C>G on transcript NM_001111.5 (MANE Select); 10 bases into the intron before coding-DNA position 2763, C replaced by G.
Molecular consequence: intron variant.
Genome position (GRCh38, 1-based): chr1:154,588,683, G>C on the plus strand (C>G on the coding strand, the complement: ADAR is on the minus strand). VCF-style: chr1-154588683-G-C. GRCh37 (hg19) VCF-style: chr1-154561159-G-C.
Other names: p.?; c.1878-10C>G (NM_001365046.1, NM_001025107.3, NM_001365048.1 and 2 more transcripts); c.2790-10C>G (NM_001365045.1); c.1800-10C>G (NM_001365049.1); c.2628-10C>G (NM_015841.4); c.2685-10C>G (NM_015840.4).
Identifiers: ClinVar variation 1089732 (VCV001089732.12), dbSNP rs750394212, ClinGen allele CA1131145.

ClinVar aggregate classification (germline): Likely benign. Review status: criteria provided, multiple submitters, no conflicts (2 of 4 stars). 4 submissions from 4 submitters: Likely benign (4). Last evaluated 2025-09-16.

Conditions:
Symmetrical dyschromatosis of extremities (DSH). Also called: RETICULATE ACROPIGMENTATION OF DOHI; SYMMETRIC DYSCHROMATOSIS OF THE EXTREMITIES; DYSCHROMATOSIS SYMMETRICA HEREDITARIA 1; Dyschromatosis symmetrica hereditaria. Identifiers: Orphanet 41, MedGen C0406775, MONDO:0007483, OMIM 127400.
Aicardi-Goutieres syndrome 6 (AGS6). Identifiers: Orphanet 51, MedGen C3539013, MONDO:0014007, OMIM 615010.

Allele frequency attached by ClinVar (database versions not stated): gnomAD exomes 0.00001 and 0.00008; TOPMed 0.00002; gnomAD 0.00003; ExAC 0.00010.
gnomAD v4.1: 30 of 1,614,030 alleles (0.0019%); highest among the groups gnomAD compares: East Asian, 0.033%; no homozygotes.

Submissions (4):

Labcorp Genetics (formerly Invitae), Labcorp
Classification: Likely benign for Aicardi-Goutieres syndrome 6; Symmetrical dyschromatosis of extremities. Last evaluated: 2025-09-16. Review status: criteria provided, single submitter. Criteria: Invitae Variant Classification Sherloc (09022015). Collection method: clinical testing. Allele origin: germline.

Mayo Clinic Laboratories, Mayo Clinic
Classification: Likely benign. Last evaluated: 2025-05-21. Review status: criteria provided, single submitter. Criteria: ACMG Guidelines, 2015. Collection method: clinical testing. Allele origin: germline. Observed: 1 variant allele.
Comment: BP4, BP7

Blueprint Genetics
Classification: Likely benign. Last evaluated: 2023-01-03. Review status: criteria provided, single submitter. Criteria: ACMG Guidelines, 2015. Collection method: clinical testing. Allele origin: germline.

Breakthrough Genomics
Classification: Likely benign. Review status: criteria provided, single submitter. Criteria: ACMG Guidelines, 2015. Collection method: not provided. Allele origin: germline. Inheritance: Autosomal recessive inheritance. Affected: yes.